The following is an entry in ClinVar:

ClinVar aggregate classification (germline): Pathogenic. Review status: criteria provided, multiple submitters, no conflicts (2 of 4 stars). 6 submissions from 6 submitters: Pathogenic (6). Last evaluated 2024-05-24.

Conditions:
Hereditary spastic paraplegia 11. Also called: Spastic paraplegia, mental retardation and thin corpus callosum; Nakamura Osame syndrome; Autosomal recessive hereditary spastic paraplegia, mental impairment, and thin corpus callosum; SPASTIC PARAPLEGIA, AUTOSOMAL RECESSIVE, COMPLICATED, WITH THIN CORPUS CALLOSUM; SPASTIC PARAPLEGIA, AUTOSOMAL RECESSIVE, WITH MENTAL IMPAIRMENT AND THIN CORPUS CALLOSUM; Spastic Paraplegia 11. Identifiers: Orphanet 2822, MedGen C1858479, MONDO:0011445, OMIM 604360.
Inborn genetic diseases. Identifiers: MedGen C0950123, MeSH D030342.
SPG11-related disorder. Also called: SPG11-related condition.
Hereditary spastic paraplegia. Also called: Familial spastic paraparesis. Identifiers: Orphanet 685, MedGen C0037773, MONDO:0019064. Disease mechanism: loss of function.

Allele frequency attached by ClinVar (database versions not stated): ExAC 0.00001; gnomAD exomes 0.00001.
gnomAD v4.1: 24 of 1,614,148 alleles (0.0015%); highest among the groups gnomAD compares: Non-Finnish European, 0.0017%; no homozygotes.

Submissions (6):

Women's Health and Genetics/Laboratory Corporation of America, LabCorp
Classification: Pathogenic for Hereditary spastic paraplegia. Last evaluated: 2024-05-24. Review status: criteria provided, single submitter. Criteria: LabCorp Variant Classification Summary - May 2015. Collection method: clinical testing. Allele origin: germline.
Comment: Variant summary: SPG11 c.4790G>A (p.Trp1597X) results in a premature termination codon, predicted to cause absence of the protein due to nonsense mediated decay, which is a commonly known mechanism for disease. The variant allele was found at a frequency of 8e-06 in 251332 control chromosomes. c.4790G>A has been reported in the literature in at-least one individual affected with Hereditary Spastic Paraplegia (Murugan et al). These data do not allow any conclusion about variant significance. To our knowledge, no experimental evidence demonstrating an impact on protein function has been reported. The following publication has been ascertained in the context of this evaluation (Murugan et al). ClinVar contains an entry for this variant (Variation ID: 466534). Based on the evidence outlined above, the variant was classified as pathogenic.

Labcorp Genetics (formerly Invitae), Labcorp
Classification: Pathogenic for Hereditary spastic paraplegia 11. Last evaluated: 2024-04-22. Review status: criteria provided, single submitter. Criteria: Invitae Variant Classification Sherloc (09022015). Collection method: clinical testing. Allele origin: germline.
Comment: This sequence change creates a premature translational stop signal (p.Trp1597*) in the SPG11 gene. It is expected to result in an absent or disrupted protein product. Loss-of-function variants in SPG11 are known to be pathogenic (PMID: 19105190, 20110243, 22154821, 26556829). This variant is present in population databases (rs753920931, gnomAD 0.002%). This premature translational stop signal has been observed in individual(s) with autosomal recessive hereditary spastic paraplegia (PMID: 19917823). ClinVar contains an entry for this variant (Variation ID: 466534). For these reasons, this variant has been classified as Pathogenic.

Blueprint Genetics
Classification: Pathogenic for SPG11-related disorders. Last evaluated: 2024-02-26. Review status: criteria provided, single submitter. Criteria: ACMG Guidelines, 2015. Collection method: clinical testing. Allele origin: germline. Affected: yes. Observed: 1 variant allele.

Institute of Human Genetics, University of Leipzig Medical Center
Classification: Pathogenic for Hereditary spastic paraplegia 11. Last evaluated: 2021-11-16. Review status: criteria provided, single submitter. Criteria: ACMG Guidelines, 2015. Collection method: clinical testing. Allele origin: inherited. Inheritance: Autosomal recessive inheritance. Affected: yes.
Comment: Criteria applied: PVS1, PM3, PM2_SUP

Ambry Genetics
Classification: Pathogenic for Inborn genetic diseases. Last evaluated: 2021-08-19. Review status: criteria provided, single submitter. Criteria: Ambry Variant Classification Scheme 2023. Collection method: clinical testing. Allele origin: germline.
Comment: The p.W1597* variant (also known as c.4790G>A), located in coding exon 28 of the SPG11 gene, results from a G to A substitution at nucleotide position 4790. This changes the amino acid from a tryptophan to a stop codon within coding exon 28. This variant was detected in a cohort of early onset complicated hereditary spastic paraplegia (HSP) patients; however, clinical details were limited (Sch&uuml;le R et al. J Neurol Neurosurg Psychiatry, 2009 Dec;80:1402-4). This alteration has also been reported in the compound heterozygous state in a patient with spastic paraparesis, learning difficulties and a thin corpus callosum (Murugan A et al. Eur J Med.Case Rep, 2017; 1(3):122-125). In addition to the clinical data presented in the literature, this alteration is expected to result in loss of function by premature protein truncation or nonsense-mediated mRNA decay. As such, this alteration is interpreted as a disease-causing mutation.

Genome-Nilou Lab
Classification: Pathogenic for Hereditary spastic paraplegia 11. Review status: criteria provided, single submitter. Criteria: ACMG Guidelines, 2015. Collection method: clinical testing. Allele origin: germline.

Literature cited by the submitters: PubMed 19105190 (cited by Labcorp Genetics (formerly Invitae), Labcorp); PubMed 20110243 (cited by Labcorp Genetics (formerly Invitae), Labcorp); PubMed 22154821 (cited by Labcorp Genetics (formerly Invitae), Labcorp); PubMed 26556829 (cited by Labcorp Genetics (formerly Invitae), Labcorp); PubMed 19917823 (cited by Labcorp Genetics (formerly Invitae), Labcorp and Ambry Genetics).

NM_025137.4(SPG11):c.4790G>A (p.Trp1597Ter)

Gene: SPG11 (SPG11 vesicle trafficking associated, spatacsin; minus strand). Cytogenetic location: 15q21.1.
Variant type: single nucleotide variant.
Coding change: c.4790G>A on transcript NM_025137.4 (MANE Select); coding-DNA position 4790, G replaced by A.
Protein change: p.Trp1597Ter; replaces tryptophan 1597 with a stop codon.
Molecular consequence: nonsense.
Genome position (GRCh38, 1-based): chr15:44,589,368, C>T on the plus strand (G>A on the coding strand, the complement: SPG11 is on the minus strand). VCF-style: chr15-44589368-C-T. GRCh37 (hg19) VCF-style: chr15-44881566-C-T.
Other names: c.4790G>A, p.Trp1597Ter (NM_001160227.2); short protein forms W1597*.
Identifiers: ClinVar variation 466534 (VCV000466534.16), dbSNP rs753920931, ClinGen allele CA7534580.